The following is an entry in ClinVar:

NM_000179.3(MSH6):c.3094T>C (p.Cys1032Arg)

Gene: MSH6 (mutS homolog 6; plus strand). Cytogenetic location: 2p16.3.
Variant type: single nucleotide variant.
Coding change: c.3094T>C on transcript NM_000179.3 (MANE Select); coding-DNA position 3094, T replaced by C.
Protein change: p.Cys1032Arg; replaces cysteine 1032 with arginine.
Molecular consequence: missense variant.
Genome position (GRCh38, 1-based): chr2:47,801,077, T>C. VCF-style: chr2-47801077-T-C. GRCh37 (hg19) VCF-style: chr2-48028216-T-C.
Other names: c.2704T>C, p.Cys902Arg (NM_001281492.2); c.2188T>C, p.Cys730Arg (NM_001281493.2, NM_001281494.2, NM_001406811.1 and 6 more transcripts); c.3190T>C, p.Cys1064Arg (NM_001406795.1, NM_001406802.1); c.3094T>C, p.Cys1032Arg (NM_001406796.1, NM_001406798.1, NM_001406800.1 and 2 more transcripts); c.2797T>C, p.Cys933Arg (NM_001406797.1, NM_001406801.1, NM_001406805.1 and 10 more transcripts); c.2569T>C, p.Cys857Arg (NM_001406799.1, NM_001406806.1, NM_001406807.1); c.3016T>C, p.Cys1006Arg (NM_001406804.1); c.3100T>C, p.Cys1034Arg (NM_001406813.1); and 2 more; short protein forms C1034R, C1064R, C902R, C933R, C1032R, C730R, C857R, C976R.
Identifiers: ClinVar variation 1727498 (VCV001727498.2), dbSNP rs1572730085, ClinGen allele CA346756588.

ClinVar aggregate classification (germline): Uncertain significance (1 of 4 stars; one submission).

Conditions:
Hereditary cancer-predisposing syndrome. Also called: Tumor predisposition; Neoplastic Syndromes, Hereditary; Hereditary Cancer Syndrome; Hereditary neoplastic syndrome. Identifiers: Orphanet 140162, MedGen C0027672, MeSH D009386, MONDO:0015356.

Submission:

Ambry Genetics
Classification: Uncertain significance for Hereditary cancer-predisposing syndrome. Last evaluated: 2019-09-03. Review status: criteria provided, single submitter. Criteria: Ambry Variant Classification Scheme 2023. Collection method: clinical testing. Allele origin: germline.
Comment: The p.C1032R variant (also known as c.3094T>C), located in coding exon 4 of the MSH6 gene, results from a T to C substitution at nucleotide position 3094. The cysteine at codon 1032 is replaced by arginine, an amino acid with highly dissimilar properties. This amino acid position is highly conserved in available vertebrate species. In addition, this alteration is predicted to be deleterious by in silico analysis. Since supporting evidence is limited at this time, the clinical significance of this alteration remains unclear.